The following is an entry in ClinVar:

ClinVar aggregate classification (germline): Uncertain significance (1 of 4 stars; one submission).

Allele frequency attached by ClinVar (database versions not stated): gnomAD exomes below 0.00001.
gnomAD v4.1: 1 of 1,614,172 alleles (0.000062%); highest among the groups gnomAD compares: African/African-American, 0.0013%; no homozygotes.

Submission:

Labcorp Genetics (formerly Invitae), Labcorp
Classification: Uncertain significance. Last evaluated: 2022-06-08. Review status: criteria provided, single submitter. Criteria: Invitae Variant Classification Sherloc (09022015). Collection method: clinical testing. Allele origin: germline.
Comment: In summary, the available evidence is currently insufficient to determine the role of this variant in disease. Therefore, it has been classified as a Variant of Uncertain Significance. Advanced modeling of protein sequence and biophysical properties (such as structural, functional, and spatial information, amino acid conservation, physicochemical variation, residue mobility, and thermodynamic stability) performed at Invitae indicates that this missense variant is not expected to disrupt ABCC6 protein function. This variant has not been reported in the literature in individuals affected with ABCC6-related conditions. This variant is not present in population databases (gnomAD no frequency). This sequence change replaces arginine, which is basic and polar, with lysine, which is basic and polar, at codon 860 of the ABCC6 protein (p.Arg860Lys).

NM_001171.6(ABCC6):c.2579G>A (p.Arg860Lys)

Gene: ABCC6 (ATP binding cassette subfamily C member 6; minus strand). Cytogenetic location: 16p13.11.
Variant type: single nucleotide variant.
Coding change: c.2579G>A on transcript NM_001171.6 (MANE Select); coding-DNA position 2579, G replaced by A.
Protein change: p.Arg860Lys; replaces arginine 860 with lysine.
Molecular consequence: missense variant.
Genome position (GRCh38, 1-based): chr16:16,177,463, C>T on the plus strand (G>A on the coding strand, the complement: ABCC6 is on the minus strand). VCF-style: chr16-16177463-C-T. GRCh37 (hg19) VCF-style: chr16-16271320-C-T.
Other names: c.2237G>A, p.Arg746Lys (NM_001351800.1); short protein forms R860K, R746K.
Identifiers: ClinVar variation 2003623 (VCV002003623.4), dbSNP rs2152249783, ClinGen allele CA394887526.